The following is an entry in ClinVar:

NM_001041.4(SI):c.3463G>T (p.Ala1155Ser)

Gene: SI (sucrase-isomaltase; minus strand). Cytogenetic location: 3q26.1.
Variant type: single nucleotide variant.
Coding change: c.3463G>T on transcript NM_001041.4 (MANE Select); coding-DNA position 3463, G replaced by T.
Protein change: p.Ala1155Ser; replaces alanine 1155 with serine.
Molecular consequence: missense variant.
Genome position (GRCh38, 1-based): chr3:165,018,027, C>A on the plus strand (G>T on the coding strand, the complement: SI is on the minus strand). VCF-style: chr3-165018027-C-A. GRCh37 (hg19) VCF-style: chr3-164735815-C-A.
Other names: short protein forms A1155S.
Identifiers: ClinVar variation 1365251 (VCV001365251.8), dbSNP rs151040229, ClinGen allele CA2690258.

ClinVar aggregate classification (germline): Uncertain significance (1 of 4 stars; one submission).

Allele frequency attached by ClinVar (database versions not stated): gnomAD 0.00001; ExAC 0.00002; 1000 Genomes Project 30x 0.00031; 1000 Genomes Project 0.00040.
gnomAD v4.1: 9 of 1,611,292 alleles (0.00056%); highest among the groups gnomAD compares: African/African-American, 0.0093%; no homozygotes.

Submission:

Labcorp Genetics (formerly Invitae), Labcorp
Classification: Uncertain significance. Last evaluated: 2022-07-26. Review status: criteria provided, single submitter. Criteria: Invitae Variant Classification Sherloc (09022015). Collection method: clinical testing. Allele origin: germline.
Comment: In summary, the available evidence is currently insufficient to determine the role of this variant in disease. Therefore, it has been classified as a Variant of Uncertain Significance. Advanced modeling of protein sequence and biophysical properties (such as structural, functional, and spatial information, amino acid conservation, physicochemical variation, residue mobility, and thermodynamic stability) performed at Invitae indicates that this missense variant is not expected to disrupt SI protein function. ClinVar contains an entry for this variant (Variation ID: 1365251). This variant has not been reported in the literature in individuals affected with SI-related conditions. This variant is present in population databases (rs151040229, gnomAD 0.01%). This sequence change replaces alanine, which is neutral and non-polar, with serine, which is neutral and polar, at codon 1155 of the SI protein (p.Ala1155Ser).